The following is an entry in ClinVar:

NM_000018.4(ACADVL):c.1136T>C (p.Ile379Thr)

Gene: ACADVL (acyl-CoA dehydrogenase very long chain; plus strand). Cytogenetic location: 17p13.1.
Variant type: single nucleotide variant.
Coding change: c.1136T>C on transcript NM_000018.4 (MANE Select); coding-DNA position 1136, T replaced by C.
Protein change: p.Ile379Thr; replaces isoleucine 379 with threonine.
Molecular consequence: missense variant.
Genome position (GRCh38, 1-based): chr17:7,223,191, T>C. VCF-style: chr17-7223191-T-C. GRCh37 (hg19) VCF-style: chr17-7126510-T-C.
Other names: c.1070T>C, p.Ile357Thr (NM_001033859.3); c.1205T>C, p.Ile402Thr (NM_001270447.2); c.908T>C, p.Ile303Thr (NM_001270448.2); short protein forms I303T, I357T, I402T, I379T.
Identifiers: ClinVar variation 5029743 (VCV005029743.1).
Genomic context (GRCh38, chr17:7,223,191, plus strand): 5'-AGGTAGATCATGCCACTAATCGTACCCAGTTTGGGGAGAAAATTCACAACTTTGGGCTGA[T>C]CCAGGAGAAGCTGGCACGGATGGTTATGCTGCAGTATGTAACTGAGGTGAGGGCCTCCCA-3'
Protein context (NP_000009.1, residues 369-389): FGEKIHNFGL[Ile379Thr]QEKLARMVML

ClinVar aggregate classification (germline): Uncertain significance (1 of 4 stars; one submission).

Conditions:
Inborn genetic diseases. Identifiers: MedGen C0950123, MeSH D030342.

gnomAD v4.1: 5 of 1,614,146 alleles (0.00031%); highest among the groups gnomAD compares: South Asian, 0.0044%; no homozygotes.

Submission:

Ambry Genetics
Classification: Uncertain significance for Inborn genetic diseases. Last evaluated: 2026-07-17. Review status: criteria provided, single submitter. Criteria: Ambry Variant Classification Scheme 2023. Collection method: clinical testing. Allele origin: germline.
Comment: The p.I379T variant (also known as c.1136T>C), located in coding exon 11 of the ACADVL gene, results from a T to C substitution at nucleotide position 1136. The isoleucine at codon 379 is replaced by threonine, an amino acid with similar properties. This amino acid position is conserved. In addition, this alteration is predicted to be deleterious by in silico analysis. Based on the available evidence, the clinical significance of this variant remains unclear.